The following is an entry in ClinVar:

NM_001903.5(CTNNA1):c.2023C>T (p.Gln675Ter)

Gene: CTNNA1 (catenin alpha 1; plus strand). Cytogenetic location: 5q31.2.
Variant type: single nucleotide variant.
Coding change: c.2023C>T on transcript NM_001903.5 (MANE Select); coding-DNA position 2023, C replaced by T.
Protein change: p.Gln675Ter; replaces glutamine 675 with a stop codon.
Molecular consequence: nonsense.
Genome position (GRCh38, 1-based): chr5:138,930,485, C>T. VCF-style: chr5-138930485-C-T. GRCh37 (hg19) VCF-style: chr5-138266174-C-T.
Other names: c.1714C>T, p.Gln572Ter (NM_001290309.3); c.1654C>T, p.Gln552Ter (NM_001290310.3); c.913C>T, p.Gln305Ter (NM_001290312.1, NM_001324003.1, NM_001324004.1 and 17 more transcripts); c.2023C>T, p.Gln675Ter (NM_001323982.2, NM_001323983.1, NM_001323984.2 and 2 more transcripts); c.574C>T, p.Gln192Ter (NM_001324006.1, NM_001324007.1, NM_001324008.1 and 2 more transcripts); c.1930C>T, p.Gln644Ter (NM_001323986.2); c.820C>T, p.Gln274Ter (NM_001324011.1); c.670C>T, p.Gln224Ter (NM_001324012.1, NM_001324013.1); short protein forms Q192*, Q675*, Q552*, Q224*, Q274*, Q305*, Q572*, Q644*.
Identifiers: ClinVar variation 640852 (VCV000640852.15), dbSNP rs1580907792, ClinGen allele CA361133319.

ClinVar aggregate classification (germline): Conflicting classifications of pathogenicity. Review status: criteria provided, conflicting classifications (1 of 4 stars). 6 submissions from 6 submitters: Pathogenic (4); Uncertain significance (2). Last evaluated 2025-08-17.

Conditions:
Hereditary nonpolyposis colon cancer (HNPCC). Also called: Hereditary nonpolyposis colorectal cancer; Familial nonpolyposis colon cancer; Hereditary Nonpolyposis Colorectal Cancer Syndrome. Identifiers: Orphanet 443909, MedGen C1333990, MONDO:0018630. Disease mechanism: loss of function.
Hereditary cancer-predisposing syndrome. Also called: Tumor predisposition; Neoplastic Syndromes, Hereditary; Hereditary Cancer Syndrome; Hereditary neoplastic syndrome. Identifiers: Orphanet 140162, MedGen C0027672, MeSH D009386, MONDO:0015356.
Hereditary diffuse gastric adenocarcinoma (HDGC). Also called: DIFFUSE GASTRIC AND LOBULAR BREAST CANCER SYNDROME. Identifiers: Orphanet 26106, MedGen C1708349, MONDO:0007648, OMIM 137215.
Patterned macular dystrophy 2. Identifiers: Orphanet 99001, MedGen C1837029, MONDO:0012162, OMIM 608970.

Allele frequency attached by ClinVar (database versions not stated): gnomAD exomes below 0.00001.
gnomAD v4.1: 4 of 1,612,142 alleles (0.00025%); highest among the groups gnomAD compares: Non-Finnish European, 0.00017%; no homozygotes.

Submissions (6):

Labcorp Genetics (formerly Invitae), Labcorp
Classification: Pathogenic. Last evaluated: 2025-08-17. Review status: criteria provided, single submitter. Criteria: Invitae Variant Classification Sherloc (09022015). Collection method: clinical testing. Allele origin: germline.
Comment: This sequence change creates a premature translational stop signal (p.Gln675*) in the CTNNA1 gene. It is expected to result in an absent or disrupted protein product. Loss-of-function variants in CTNNA1 are known to be pathogenic (PMID: 32051609, 34425242). This variant is not present in population databases (gnomAD no frequency). This premature translational stop signal has been observed in individual(s) with diffuse gastric cancer (PMID: 30515673). It has also been observed to segregate with disease in related individuals. ClinVar contains an entry for this variant (Variation ID: 640852). RNA analysis performed to evaluate the impact of this premature translational stop signal on mRNA splicing indicates it does not significantly alter splicing (internal data). For these reasons, this variant has been classified as Pathogenic.

Ambry Genetics
Classification: Pathogenic for Hereditary cancer-predisposing syndrome. Last evaluated: 2025-05-26. Review status: criteria provided, single submitter. Criteria: Ambry Variant Classification Scheme 2023. Collection method: clinical testing. Allele origin: germline.
Comment: The p.Q675* variant (also known as c.2023C>T), located in coding exon 14 of the CTNNA1 gene, results from a C to T substitution at nucleotide position 2023. This changes the amino acid from a glutamine to a stop codon within coding exon 14. This variant was reported in individual(s) with features consistent with CTNNA1- related diffuse gastric cancer predisposition (Benusiglio PR et al, Gastric Cancer 2019 07;22(4):899-903). This alteration is expected to result in loss of function by premature protein truncation or nonsense-mediated mRNA decay. As such, this alteration is interpreted as a disease-causing mutation.

Department of Pathology and Laboratory Medicine, Sinai Health System
Classification: Uncertain significance for hereditary nonpolyposis colon cancer. Last evaluated: 2024-05-01. Review status: criteria provided, single submitter. Criteria: ACMG Guidelines, 2015. Collection method: clinical testing. Allele origin: germline. Affected: no.

Baylor Genetics
Classification: Pathogenic for Patterned macular dystrophy 2. Last evaluated: 2023-12-22. Review status: criteria provided, single submitter. Criteria: ACMG Guidelines, 2015. Collection method: clinical testing. Allele origin: unknown.

Myriad Genetics, Inc.
Classification: Pathogenic for Hereditary diffuse gastric adenocarcinoma. Last evaluated: 2023-01-17. Review status: criteria provided, single submitter. Criteria: Myriad Autosomal Dominant, Autosomal Recessive and X-Linked Classification Criteria (2023). Collection method: clinical testing. Allele origin: unknown.
Comment: This variant is considered pathogenic. This variant creates a termination codon and is predicted to result in premature protein truncation.

Blueprint Genetics
Classification: Uncertain significance. Last evaluated: 2019-08-12. Review status: criteria provided, single submitter. Criteria: ACMG Guidelines, 2015. Collection method: clinical testing. Allele origin: germline.

Literature cited by the submitters: PubMed 32051609 (cited by 3 submitters); PubMed 34425242 (cited by Labcorp Genetics (formerly Invitae), Labcorp); PubMed 30515673 (cited by 3 submitters).